The following is an entry in ClinVar:

ClinVar aggregate classification (germline): Pathogenic (1 of 4 stars; one submission).

Conditions:
Neurofibromatosis, type 1 (NF1). Also called: Neurofibromatosis, type I; VON RECKLINGHAUSEN DISEASE; NEUROFIBROMATOSIS, TYPE I, SOMATIC; Peripheral type neurofibromatosis. Identifiers: Orphanet 636, MedGen C0027831, MONDO:0018975, OMIM 162200. Disease mechanism: loss of function.

Submission:

Labcorp Genetics (formerly Invitae), Labcorp
Classification: Pathogenic for Neurofibromatosis, type 1. Last evaluated: 2022-01-15. Review status: criteria provided, single submitter. Criteria: Invitae Variant Classification Sherloc (09022015). Collection method: clinical testing. Allele origin: germline.
Comment: This variant has not been reported in the literature in individuals affected with NF1-related conditions. This variant is not present in population databases (gnomAD no frequency). This sequence change creates a premature translational stop signal (p.His4Thrfs*20) in the NF1 gene. It is expected to result in an absent or disrupted protein product. Loss-of-function variants in NF1 are known to be pathogenic (PMID: 10712197, 23913538). For these reasons, this variant has been classified as Pathogenic.

Literature cited by the submitters: PubMed 10712197; PubMed 23913538.

NM_001042492.3(NF1):c.10del (p.His4fs)

Genes: MIR4733HG (MIR4733 host gene; minus strand), NF1 (neurofibromin 1; plus strand), LOC111811965 (NF1 (neurofibromin 1) promoter region; plus strand). Cytogenetic location: 17q11.2.
Variant type: Deletion.
Coding change: c.10del on transcript NM_001042492.3 (MANE Select); coding-DNA position 10, one base deleted (C; older notation c.10delC).
Protein change: p.His4fs; shifts the reading frame from histidine 4.
Molecular consequence: frameshift variant. On other transcripts: non-coding transcript variant (1).
Genome position (GRCh38, 1-based): chr17:31,095,319, C deleted. VCF-style (leftmost placement, unchanged base first): chr17-31095318-GC-G. GRCh37 (hg19) VCF-style: chr17-29422336-GC-G.
Other names: c.10delC, p.His4Thrfs (NM_000267.4); c.10del, p.His4fs (NM_001128147.3); short protein forms H4fs.
Identifiers: ClinVar variation 2082955 (VCV002082955.4), dbSNP rs2544511115, ClinGen allele CA2580093188.